The following is an entry in ClinVar:

NM_001048174.2(MUTYH):c.1197G>T (p.Trp399Cys)

Gene: MUTYH (mutY DNA glycosylase; minus strand). Cytogenetic location: 1p34.1.
Variant type: single nucleotide variant.
Coding change: c.1197G>T on transcript NM_001048174.2 (MANE Select); coding-DNA position 1197, G replaced by T.
Protein change: p.Trp399Cys; replaces tryptophan 399 with cysteine.
Molecular consequence: missense variant. On other transcripts: non-coding transcript variant (2).
Genome position (GRCh38, 1-based): chr1:45,331,462, C>A on the plus strand (G>T on the coding strand, the complement: MUTYH is on the minus strand). VCF-style: chr1-45331462-C-A. GRCh37 (hg19) VCF-style: chr1-45797134-C-A.
Other names: c.1200G>T, p.Trp400Cys (NM_001407086.1, NM_001048172.2, NM_001407071.1 and 1 more transcripts); c.1218G>T, p.Trp406Cys (NM_001407087.1); c.1197G>T, p.Trp399Cys (NM_001407088.1, NM_001407089.1, NM_001048171.2 and 6 more transcripts); c.921G>T, p.Trp307Cys (NM_001407091.1, NM_001293192.2, NM_001293196.2); c.1272G>T, p.Trp424Cys (NM_012222.3); c.1281G>T, p.Trp427Cys (NM_001128425.2); c.1242G>T, p.Trp414Cys (NM_001293190.2); c.1230G>T, p.Trp410Cys (NM_001293191.2, NM_001407069.1, NM_001407077.1); and 5 more; short protein forms W386C, W371C, W385C, W400C, W414C, W413C, W427C, W284C.
Identifiers: ClinVar variation 2061307 (VCV002061307.3), dbSNP rs1060501325, ClinGen allele CA340132901.
Genomic context (GRCh38, chr1:45,331,462, plus strand): 5'-ATTCCGCTGCTCACTTACCTCCCCAAGGTGCCGGAGGTGCGTGGCTGGGAGGGGCCCAGC[C>A]CAACGCTGTAGTTCCTGCAGCAGGGCCTTGCGCTGAAGCTGCTCTGAGGGCTCCCAGGTC-3'
Protein context (NP_001041639.1, residues 389-409): RKALLQELQR[Trp399Cys]AGPLPATHLR

ClinVar aggregate classification (germline): Conflicting classifications of pathogenicity. Review status: criteria provided, conflicting classifications (1 of 4 stars). 2 submissions from 2 submitters: Uncertain significance (1); Likely benign (1). Last evaluated 2025-09-09.

Conditions:
Familial adenomatous polyposis 2. Also called: MUTYH Polyposis; COLORECTAL ADENOMATOUS POLYPOSIS, AUTOSOMAL RECESSIVE; ADENOMAS, MULTIPLE COLORECTAL, AUTOSOMAL RECESSIVE; FAP type 2; Adenomas, multiple colorectal; MYH-associated polyposis. Identifiers: Orphanet 220460, Orphanet 247798, MedGen C3272841, MONDO:0012041, OMIM 608456.
Hereditary cancer-predisposing syndrome. Also called: Neoplastic Syndromes, Hereditary; Tumor predisposition; Hereditary Cancer Syndrome; Hereditary neoplastic syndrome. Identifiers: Orphanet 140162, MedGen C0027672, MeSH D009386, MONDO:0015356.

Submissions (2):

Ambry Genetics
Classification: Likely benign for Hereditary cancer-predisposing syndrome. Last evaluated: 2025-09-09. Review status: criteria provided, single submitter. Criteria: Ambry Variant Classification Scheme 2023. Collection method: clinical testing. Allele origin: germline.

Labcorp Genetics (formerly Invitae), Labcorp
Classification: Uncertain significance for Familial adenomatous polyposis 2. Last evaluated: 2021-12-26. Review status: criteria provided, single submitter. Criteria: Invitae Variant Classification Sherloc (09022015). Collection method: clinical testing. Allele origin: germline.
Comment: This sequence change replaces tryptophan, which is neutral and slightly polar, with cysteine, which is neutral and slightly polar, at codon 427 of the MUTYH protein (p.Trp427Cys). This variant is not present in population databases (gnomAD no frequency). This variant has not been reported in the literature in individuals affected with MUTYH-related conditions. Algorithms developed to predict the effect of missense changes on protein structure and function (SIFT, PolyPhen-2, Align-GVGD) all suggest that this variant is likely to be disruptive. In summary, the available evidence is currently insufficient to determine the role of this variant in disease. Therefore, it has been classified as a Variant of Uncertain Significance.